The following is an entry in ClinVar:

ClinVar aggregate classification (germline): Likely pathogenic (1 of 4 stars; one submission).

Conditions:
Early-infantile DEE. Also called: Early infantile epileptic encephalopathy; Ohtahara syndrome; Early infantile epileptic encephalopathy with suppression bursts. Identifiers: Orphanet 1934, MedGen C0393706, MONDO:0800491.

Submission:

Labcorp Genetics (formerly Invitae), Labcorp
Classification: Likely pathogenic for Early-infantile DEE. Last evaluated: 2025-01-23. Review status: criteria provided, single submitter. Criteria: Invitae Variant Classification Sherloc (09022015). Collection method: clinical testing. Allele origin: germline.
Comment: This sequence change replaces isoleucine, which is neutral and non-polar, with threonine, which is neutral and polar, at codon 978 of the SCN1A protein (p.Ile978Thr). This variant is not present in population databases (gnomAD no frequency). This missense change has been observed in individual(s) with autosomal dominant Dravet syndrome (PMID: 34145886). ClinVar contains an entry for this variant (Variation ID: 461258). Invitae Evidence Modeling of protein sequence and biophysical properties (such as structural, functional, and spatial information, amino acid conservation, physicochemical variation, residue mobility, and thermodynamic stability) indicates that this missense variant is expected to disrupt SCN1A protein function with a positive predictive value of 95%. In summary, the currently available evidence indicates that the variant is pathogenic, but additional data are needed to prove that conclusively. Therefore, this variant has been classified as Likely Pathogenic.

Literature cited by the submitters: PubMed 34145886.

NM_001165963.4(SCN1A):c.2933T>C (p.Ile978Thr)

Gene: SCN1A (sodium voltage-gated channel alpha subunit 1; minus strand). Cytogenetic location: 2q24.3.
Variant type: single nucleotide variant.
Coding change: c.2933T>C on transcript NM_001165963.4 (MANE Select); coding-DNA position 2933, T replaced by C.
Protein change: p.Ile978Thr; replaces isoleucine 978 with threonine.
Molecular consequence: missense variant. On other transcripts: non-coding transcript variant (1).
Genome position (GRCh38, 1-based): chr2:166,037,789, A>G on the plus strand (T>C on the coding strand, the complement: SCN1A is on the minus strand). VCF-style: chr2-166037789-A-G. GRCh37 (hg19) VCF-style: chr2-166894299-A-G.
Other names: c.2849T>C, p.Ile950Thr (NM_001165964.3, NM_001353957.2, NM_001353958.2); c.2933T>C, p.Ile978Thr (NM_001202435.3, NM_001353948.2); c.2900T>C, p.Ile967Thr (NM_001353949.2, NM_001353950.2, NM_001353951.2 and 2 more transcripts); c.2897T>C, p.Ile966Thr (NM_001353954.2, NM_001353955.2); c.2846T>C, p.Ile949Thr (NM_001353960.2); c.491T>C, p.Ile164Thr (NM_001353961.2); short protein forms I967T, I978T, I164T, I966T, I950T, I949T.
Identifiers: ClinVar variation 461258 (VCV000461258.9), dbSNP rs1553541028, ClinGen allele CA349060773.
Genomic context (GRCh38, chr2:166,037,789, plus strand): 5'-GCCATGCTGGTGTATTTCCAAAATGCATATCTTAAGTGGGTACATACCACTAGGTTTCCA[A>G]TCACCATGACCATCATGAAGACAGTAAGGCACATGGCTTGACCAGCAACCTCCATACAGT-3'
Protein context (NP_001159435.1, residues 968-988): CLTVFMMVMV[Ile978Thr]GNLVVLNLFL